The following is an entry in ClinVar:

NM_005431.2(XRCC2):c.637T>G (p.Ser213Ala)

Gene: XRCC2 (X-ray repair cross complementing 2; minus strand). Cytogenetic location: 7q36.1.
Variant type: single nucleotide variant.
Coding change: c.637T>G on transcript NM_005431.2 (MANE Select); coding-DNA position 637, T replaced by G.
Protein change: p.Ser213Ala; replaces serine 213 with alanine.
Molecular consequence: missense variant.
Genome position (GRCh38, 1-based): chr7:152,648,848, A>C on the plus strand (T>G on the coding strand, the complement: XRCC2 is on the minus strand). VCF-style: chr7-152648848-A-C. GRCh37 (hg19) VCF-style: chr7-152345933-A-C.
Other names: short protein forms S213A.
Identifiers: ClinVar variation 4558497 (VCV004558497.1).

ClinVar aggregate classification (germline): Uncertain significance (1 of 4 stars; one submission).

Conditions:
Hereditary cancer-predisposing syndrome. Also called: Tumor predisposition; Hereditary Cancer Syndrome; Hereditary neoplastic syndrome; Neoplastic Syndromes, Hereditary. Identifiers: Orphanet 140162, MedGen C0027672, MeSH D009386, MONDO:0015356.

Submission:

Ambry Genetics
Classification: Uncertain significance for Hereditary cancer-predisposing syndrome. Last evaluated: 2025-10-17. Review status: criteria provided, single submitter. Criteria: Ambry Variant Classification Scheme 2023. Collection method: clinical testing. Allele origin: germline.
Comment: The p.S213A variant (also known as c.637T>G), located in coding exon 3 of the XRCC2 gene, results from a T to G substitution at nucleotide position 637. The serine at codon 213 is replaced by alanine, an amino acid with similar properties. This amino acid position is conserved. In addition, this alteration is predicted to be tolerated by in silico analysis. Based on the available evidence, the clinical significance of this variant remains unclear.